The following is an entry in ClinVar:

ClinVar aggregate classification (germline): Uncertain significance (1 of 4 stars; one submission).

Conditions:
UNC45B-related disorder. Also called: UNC45B-related condition.

gnomAD v4.1: 3 of 1,614,068 alleles (0.00019%); highest among the groups gnomAD compares: East Asian, 0.0067%; no homozygotes.

Submission:

PreventionGenetics, part of Exact Sciences
Classification: Uncertain significance for UNC45B-related condition. Last evaluated: 2026-01-15. Review status: criteria provided, single submitter. Criteria: ACMG Guidelines, 2015. Collection method: clinical testing. Allele origin: germline.
Comment: The UNC45B c.2637T>A variant is predicted to result in the amino acid substitution p.Asp879Glu. To our knowledge, this variant has not been reported in the literature or in a large population database (gnomAD), indicating this variant is rare. At this time, the clinical significance of this variant is uncertain due to the absence of conclusive functional and genetic evidence.

NM_001267052.2(UNC45B):c.2631T>A (p.Asp877Glu)

Gene: UNC45B (unc-45 myosin chaperone B; plus strand). Cytogenetic location: 17q12.
Variant type: single nucleotide variant.
Coding change: c.2631T>A on transcript NM_001267052.2 (MANE Select); coding-DNA position 2631, T replaced by A.
Protein change: p.Asp877Glu; replaces aspartic acid 877 with glutamic acid.
Molecular consequence: missense variant.
Genome position (GRCh38, 1-based): chr17:35,186,400, T>A. VCF-style: chr17-35186400-T-A. GRCh37 (hg19) VCF-style: chr17-33513419-T-A.
Other names: c.2631T>A, p.Asp877Glu (NM_001033576.2); c.2394T>A, p.Asp798Glu (NM_001308281.1); c.2637T>A, p.Asp879Glu (NM_173167.3); short protein forms D879E, D877E, D798E.
Identifiers: ClinVar variation 4986848 (VCV004986848.1).
Genomic context (GRCh38, chr17:35,186,400, plus strand): 5'-CGACCAGCTGTCTGTCCAACACCGGGGCCTGGTCATTGCCTACAACCTACTGGCAGCCGA[T>A]GCTGAGCTGGCCAAGAAGCTGGTGGAGAGTGAGCTGCTGGAGATCCTGACTGTGGTGGGC-3'
Protein context (NP_001253981.1, residues 867-887): LVIAYNLLAA[Asp877Glu]AELAKKLVES